The following is an entry in ClinVar:

NM_001110556.2(FLNA):c.2472C>T (p.Phe824=)

Gene: FLNA (filamin A; minus strand). Cytogenetic location: Xq28.
Variant type: single nucleotide variant.
Coding change: c.2472C>T on transcript NM_001110556.2 (MANE Select); coding-DNA position 2472, C replaced by T.
Protein change: p.Phe824=; no amino-acid change (phenylalanine 824 retained).
Molecular consequence: synonymous variant.
Genome position (GRCh38, 1-based): chrX:154,362,511, G>A on the plus strand (C>T on the coding strand, the complement: FLNA is on the minus strand). VCF-style: chrX-154362511-G-A. GRCh37 (hg19) VCF-style: chrX-153590879-G-A.
Other names: c.2472C>T (NM_001110556.1); c.2472C>T, p.Phe824= (NM_001456.4).
Identifiers: ClinVar variation 377883 (VCV000377883.61), dbSNP rs782669943, ClinGen allele CA10560917.

ClinVar aggregate classification (germline): Conflicting classifications of pathogenicity. Review status: criteria provided, conflicting classifications (1 of 4 stars). 8 submissions from 8 submitters: Uncertain significance (1); Benign (1); Likely benign (5). 1 of the submissions does not count toward it. Last evaluated 2026-01-11.

Conditions:
Frontometaphyseal dysplasia (FMD1). Identifiers: Orphanet 1826, MedGen C0265293, MONDO:0015942.
Melnick-Needles syndrome (MNS). Also called: MELNICK-NEEDLES OSTEODYSPLASTY; OSTEODYSPLASTY OF MELNICK AND NEEDLES; Melnick-Needles Syndrome (FLNA-MNS). Identifiers: Orphanet 2484, MedGen C0025237, MONDO:0010650, OMIM 309350.
Oto-palato-digital syndrome, type II (OPD2). Also called: FACIOPALATOOSSEOUS SYNDROME; Otopalatodigital Syndrome, Type II; OPD II SYNDROME; Otopalatodigital Syndrome Type 2 (FLNA-OPD2). Identifiers: Orphanet 669, Orphanet 90652, MedGen C1844696, MONDO:0010571, OMIM 304120.
Heterotopia, periventricular, X-linked dominant (PVNH1). Also called: PERIVENTRICULAR NODULAR HETEROTOPIA 1; PERIVENTRICULAR NODULAR HETEROTOPIA 4; HETEROTOPIA, PERIVENTRICULAR, 1; X-linked periventricular heterotopia. Identifiers: Orphanet 2149, Orphanet 82004, MedGen C1848213, MONDO:0010233, OMIM 300049.
Familial thoracic aortic aneurysm and aortic dissection (TAAD). Also called: Thoracic aortic aneurysms and dissections. Identifiers: Orphanet 91387, MedGen C4707243, MONDO:0019625.
FLNA-related disorder.

Allele frequency attached by ClinVar (database versions not stated): gnomAD 0.00001 and 0.00002; gnomAD exomes 0.00001 and 0.00005; TOPMed 0.00002; ExAC 0.00005.
gnomAD v4.1: 17 of 1,210,220 alleles (0.0014%); highest among the groups gnomAD compares: East Asian, 0.012%; no homozygotes.

Submissions (8):

Labcorp Genetics (formerly Invitae), Labcorp
Classification: Likely benign for Oto-palato-digital syndrome, type II; Heterotopia, periventricular, X-linked dominant; Frontometaphyseal dysplasia; Melnick-Needles syndrome. Last evaluated: 2026-01-11. Review status: criteria provided, single submitter. Criteria: Invitae Variant Classification Sherloc (09022015). Collection method: clinical testing. Allele origin: germline.

ARUP Laboratories, Molecular Genetics and Genomics, ARUP Laboratories
Classification: Likely benign. Last evaluated: 2025-05-29. Review status: criteria provided, single submitter. Criteria: ARUP Molecular Germline Variant Investigation Process 2024. Collection method: clinical testing. Allele origin: germline.

Athena Diagnostics
Classification: Benign. Last evaluated: 2025-05-06. Review status: criteria provided, single submitter. Criteria: Athena Diagnostics Criteria. Collection method: clinical testing. Allele origin: unknown.
Comment: The frequency of this variant in the general population is higher than would generally be expected for pathogenic variants in this gene. Computational tools yielded predictions that this variant is unlikely to have an effect on normal RNA splicing. This nucleotide position exhibits low evolutionary conservation.

Blueprint Genetics
Classification: Likely benign. Last evaluated: 2022-10-07. Review status: criteria provided, single submitter. Criteria: ACMG Guidelines, 2015. Collection method: clinical testing. Allele origin: germline.

Ambry Genetics
Classification: Likely benign for Familial thoracic aortic aneurysm and aortic dissection. Last evaluated: 2021-10-20. Review status: criteria provided, single submitter. Criteria: Ambry Variant Classification Scheme 2023. Collection method: clinical testing. Allele origin: germline.

GeneDx
Classification: Likely benign. Last evaluated: 2019-04-19. Review status: criteria provided, single submitter. Criteria: GeneDx Variant Classification Process June 2021. Collection method: clinical testing. Allele origin: germline. Affected: yes.

Eurofins Ntd Llc (ga)
Classification: Uncertain significance. Last evaluated: 2017-01-11. Review status: criteria provided, single submitter. Criteria: EGL Classification Definitions 2015. Collection method: clinical testing. Allele origin: germline. Observed: 1 variant allele, 1 hemizygote.

PreventionGenetics, part of Exact Sciences
Classification: Likely benign for FLNA-related condition. Last evaluated: 2024-05-14. Review status: no assertion criteria provided. Collection method: clinical testing. Allele origin: germline. Not counted in ClinVar's aggregate classification.
Comment: This variant is classified as likely benign based on ACMG/AMP sequence variant interpretation guidelines (Richards et al. 2015 PMID: 25741868, with internal and published modifications).

Literature cited by the submitters: PubMed 34912761 (cited by Athena Diagnostics).